The following is an entry in ClinVar:

ClinVar aggregate classification (germline): Likely benign (1 of 4 stars; one submission).

Conditions:
Progressive sclerosing poliodystrophy (MTDPS4A). Also called: Alpers-Huttenlocher Syndrome (AHS); Alpers Syndrome; ALPERS PROGRESSIVE INFANTILE POLIODYSTROPHY; Mitochondrial DNA depletion syndrome 4A (Alpers type); ALPERS DIFFUSE DEGENERATION OF CEREBRAL GRAY MATTER WITH HEPATIC CIRRHOSIS; Alpers-Huttenlocher Syndrome. Identifiers: Orphanet 726, MedGen C0205710, MONDO:0008758, OMIM 203700.

Allele frequency attached by ClinVar (database versions not stated): gnomAD exomes below 0.00001; ExAC 0.00001.

Submission:

Wong Mito Lab, Molecular and Human Genetics, Baylor College of Medicine
Classification: Likely benign for Progressive sclerosing poliodystrophy. Last evaluated: 2018-10-01. Review status: criteria provided, single submitter. Criteria: ACMG Guidelines, 2015. Collection method: clinical testing. Allele origin: germline.
Comment: The NM_002693.2:c.1171-30A>G (NP_002684.1:p.=) [GRCH38: NC_000015.10:g.89328565T>C] variant in POLG gene is interpretated to be a Likely Benign based on ACMG guidelines (PMID: 25741868). This variant meets the following evidence codes reported in the ACMG-guideline. BP4:Computational evidence/predictors indicate no impact on the POLG structure, function, or protein-protein interaction. BP6:Reputable source(s) without shared data suggest the variant is benign. Based on the evidence criteria codes applied, the variant is suggested to be Likely Benign.

NM_002693.3(POLG):c.1171-30A>G

Gene: POLG (DNA polymerase gamma, catalytic subunit; minus strand). Cytogenetic location: 15q26.1.
Variant type: single nucleotide variant.
Coding change: c.1171-30A>G on transcript NM_002693.3 (MANE Select); 30 bases into the intron before coding-DNA position 1171, A replaced by G.
Molecular consequence: intron variant.
Genome position (GRCh38, 1-based): chr15:89,328,565, T>C on the plus strand (A>G on the coding strand, the complement: POLG is on the minus strand). VCF-style: chr15-89328565-T-C. GRCh37 (hg19) VCF-style: chr15-89871796-T-C.
Other names: c.1171-30A>G (NM_001126131.2).
Identifiers: ClinVar variation 619351 (VCV000619351.1), dbSNP rs761504232, ClinGen allele CA7724928.